The following is an entry in ClinVar:

ClinVar aggregate classification (germline): Pathogenic (1 of 4 stars; one submission).

Submission:

Institute of Human Genetics, FAU Erlangen, Friedrich-Alexander-Universität Erlangen-Nürnberg
Classification: Pathogenic. Last evaluated: 2024-09-25. Review status: criteria provided, single submitter. Criteria: Hauer et al. (Genet Med. 2018). Collection method: clinical testing. Allele origin: germline. Inheritance: Unknown mechanism. Affected: yes. Observed: 1 variant allele.
Comment: This variant has been identified by standard clinical testing. Triple negative breast cancer Selected ACMG criteria: Pathogenic (I):PM2;PS1;PVS1

NM_000059.4(BRCA2):c.8580del (p.Arg2861fs)

Gene: BRCA2 (BRCA2 DNA repair associated; plus strand). Cytogenetic location: 13q13.1.
Variant type: Deletion.
Coding change: c.8580del on transcript NM_000059.4 (MANE Select); coding-DNA position 8580, one base deleted (G; older notation c.8580delG).
Protein change: p.Arg2861fs; shifts the reading frame from arginine 2861.
Molecular consequence: frameshift variant. On other transcripts: non-coding transcript variant (1).
Genome position (GRCh38, 1-based): chr13:32,371,048, G deleted. VCF-style (leftmost placement, unchanged base first): chr13-32371047-AG-A. GRCh37 (hg19) VCF-style: chr13-32945184-AG-A.
Other names: c.8484del, p.Arg2829fs (NM_001406719.1); c.8580del, p.Arg2861fs (NM_001406720.1, NM_001432077.1); c.3648del, p.Arg1217fs (NM_001406721.1); c.2163del, p.Arg722fs (NM_001406722.1); short protein forms R1217fs, R2829fs, R2861fs, R722fs.
Identifiers: ClinVar variation 3340535 (VCV003340535.1).